The following is an entry in ClinVar:

ClinVar aggregate classification (germline): Uncertain significance. Review status: criteria provided, multiple submitters, no conflicts (2 of 4 stars). 2 submissions from 2 submitters: Uncertain significance (2). Last evaluated 2024-03-13.

Conditions:
Hereditary sensory and autonomic neuropathy type 7. Also called: Neuropathy, hereditary sensory and autonomic, type VII; HSAN VII. Identifiers: Orphanet 391397, MedGen C3809882, MONDO:0014244, OMIM 615548.
Familial episodic pain syndrome with predominantly lower limb involvement. Also called: Episodic pain syndrome, familial, 3. Identifiers: Orphanet 391384, Orphanet 391392, MedGen C3809899, MONDO:0014247, OMIM 615552.

Allele frequency attached by ClinVar (database versions not stated): gnomAD exomes below 0.00001; gnomAD 0.00001; TOPMed 0.00002.
gnomAD v4.1: 9 of 1,613,698 alleles (0.00056%); highest among the groups gnomAD compares: East Asian, 0.0045%; no homozygotes.

Submissions (2):

Blueprint Genetics
Classification: Uncertain significance. Last evaluated: 2024-03-13. Review status: criteria provided, single submitter. Criteria: ACMG Guidelines, 2015. Collection method: clinical testing. Allele origin: germline.

Labcorp Genetics (formerly Invitae), Labcorp
Classification: Uncertain significance for Familial episodic pain syndrome with predominantly lower limb involvement; Hereditary sensory and autonomic neuropathy type 7. Last evaluated: 2020-05-04. Review status: criteria provided, single submitter. Criteria: Invitae Variant Classification Sherloc (09022015). Collection method: clinical testing. Allele origin: germline.
Comment: This sequence change replaces arginine with glutamine at codon 1469 of the SCN11A protein (p.Arg1469Gln). The arginine residue is highly conserved and there is a small physicochemical difference between arginine and glutamine. This variant is not present in population databases (ExAC no frequency). This variant has not been reported in the literature in individuals with SCN11A-related disease. Algorithms developed to predict the effect of missense changes on protein structure and function do not agree on the potential impact of this missense change (SIFT: "Deleterious"; PolyPhen-2: "Benign"; Align-GVGD: "Class C35"). Algorithms developed to predict the effect of sequence changes on RNA splicing suggest that this variant may create or strengthen a splice site, but this prediction has not been confirmed by published transcriptional studies. In summary, the available evidence is currently insufficient to determine the role of this variant in disease. Therefore, it has been classified as a Variant of Uncertain Significance.

NM_001349253.2(SCN11A):c.4406G>A (p.Arg1469Gln)

Gene: SCN11A (sodium voltage-gated channel alpha subunit 11; minus strand). Cytogenetic location: 3p22.2.
Variant type: single nucleotide variant.
Coding change: c.4406G>A on transcript NM_001349253.2 (MANE Select); coding-DNA position 4406, G replaced by A.
Protein change: p.Arg1469Gln; replaces arginine 1469 with glutamine.
Molecular consequence: missense variant.
Genome position (GRCh38, 1-based): chr3:38,847,664, C>T on the plus strand (G>A on the coding strand, the complement: SCN11A is on the minus strand). VCF-style: chr3-38847664-C-T. GRCh37 (hg19) VCF-style: chr3-38889155-C-T.
Other names: c.4406G>A, p.Arg1469Gln (NM_014139.3); short protein forms R1469Q.
Identifiers: ClinVar variation 1057631 (VCV001057631.6), dbSNP rs1403499986, ClinGen allele CA352163905.
Genomic context (GRCh38, chr3:38,847,664, plus strand): 5'-GCAAAGAGGAGAGTCCTGATTCCTCGTGCAGCCCGGACAAGCCTCAGGATTCGGCCAATC[C>T]GAGCCAAGCGGACAATTCTGAAGAGCGTCGGAGGGAAAGGAATGTGCTCCTGATTTTCCA-3'
Protein context (NP_001336182.1, residues 1459-1479): PTLFRIVRLA[Arg1469Gln]IGRILRLVRA